The following is an entry in ClinVar:

ClinVar aggregate classification (germline): Likely pathogenic (0 of 4 stars; one submission).

Conditions:
Generalized juvenile polyposis/juvenile polyposis coli. Also called: Juvenile polyposis coli. Identifiers: Orphanet 329971, MedGen C1868081, MONDO:0008276.

Submission:

Department of Pathology and Laboratory Medicine, Sinai Health System
Classification: Likely pathogenic for Generalized juvenile polyposis/juvenile polyposis coli. Review status: no assertion criteria provided. Collection method: clinical testing. Allele origin: unknown. Affected: yes. Study: The Canadian Open Genetics Repository (COGR).
Comment: The STK11 c.291-?_464+?del variant (chr:19 g.1218416_1219412del GRCh37) results in a deletion of exons 2-3, although the precise breakpoints of this deletion were not determined, nor were the effects of this variant on the resulting mRNA or protein product determined. The variant was identified in 11 of 1354 proband chromosomes (frequency: 0.008) from individuals or families with Peutz-Jeghers Syndrome (Aretz 2005, Hearle 2006, Chow 2006, de Leng 2007, Hearle 2006, Orellana 2013, Papp 2010, Resta 2010, Yang 2010). The variant was also identified in ClinVar (classified as pathogenic by Invitae), Cosmic (3x in lung tissue), Zhejiang University Database (2x), and in Insight Hereditary Tumors Database (1x). The variant was not identified in dbSNP or the LOVD 3.0 database. The variant was not identified in the following control databases: the 1000 Genomes Project, the NHLBI GO Exome Sequencing Project, the Exome Aggregation Consortium (August 8th 2016), or the Genome Aggregation Database (Feb 27, 2017). This variant is an in-frame deletion resulting in the removal of Exons 2-3, which are located in the catalytic domain of STK11 (Boudeau 2003). This region also includes a binding domain for Hsp90, which is regulates protein stability; inhibition of Hsp90-STK11 interaction results in protein degradation (Boudeau 2003). In summary, based on the above information the clinical significance of this variant cannot be determined with certainty at this time although we would lean towards a more pathogenic role for this variant. This variant is classified as likely pathogenic.

NM_000455.5(STK11):c.291-2_374+91del

Gene: STK11 (serine/threonine kinase 11; plus strand). Cytogenetic location: 19p13.3.
Variant type: Deletion.
Coding change: c.291-2_374+91del on transcript NM_000455.5 (MANE Select); the canonical splice acceptor site of the intron before coding-DNA position 291 through 91 bases into the intron after coding-DNA position 374, 177 bases deleted.
Molecular consequence: splice acceptor variant, splice donor variant.
Genome position (GRCh38, 1-based): chr19:1,218,415-1,218,591, 177 bases deleted. GRCh37 (hg19): chr19:1,218,414-1,218,590.
Identifiers: ClinVar variation 1049254 (VCV001049254.1), dbSNP rs2145420502, ClinGen allele CA2499225339.